The following is an entry in ClinVar:

ClinVar aggregate classification (germline): Uncertain significance. Review status: criteria provided, multiple submitters, no conflicts (2 of 4 stars). 3 submissions from 3 submitters: Uncertain significance (3). Last evaluated 2025-10-29.

Allele frequency attached by ClinVar (database versions not stated): gnomAD exomes 0.00001; ExAC 0.00002; TOPMed 0.00007; gnomAD 0.00009; ESP Exome Variant Server 0.00015.

Submissions (3):

Women's Health and Genetics/Laboratory Corporation of America, LabCorp
Classification: Uncertain significance. Last evaluated: 2025-10-29. Review status: criteria provided, single submitter. Criteria: LabCorp Variant Classification Summary - May 2015. Collection method: clinical testing. Allele origin: germline.
Comment: Variant summary: TGM6 c.1312A>G (p.Thr438Ala) results in a non-conservative amino acid change in the encoded protein sequence. Algorithms developed to predict the effect of missense changes on protein structure and function all suggest that this variant is likely to be disruptive. The variant allele was found at a frequency of 1.6e-05 in 251172 control chromosomes. The available data on variant occurrences in the general population are insufficient to allow any conclusion about variant significance. To our knowledge, no occurrence of c.1312A>G in individuals affected with TGM6-related conditions and no experimental evidence demonstrating its impact on protein function have been reported. ClinVar contains an entry for this variant (Variation ID: 2416568). Based on the evidence outlined above, the variant was classified as uncertain significance.

Athena Diagnostics
Classification: Uncertain significance. Last evaluated: 2024-02-01. Review status: criteria provided, single submitter. Criteria: Athena Diagnostics Criteria. Collection method: clinical testing. Allele origin: unknown.
Comment: Available data are insufficient to determine the clinical significance of the variant at this time. The frequency of this variant in the general population is higher than would generally be expected for pathogenic variants in this gene. Computational tools disagree on the variant's effect on normal protein function.

Labcorp Genetics (formerly Invitae), Labcorp
Classification: Uncertain significance. Last evaluated: 2023-12-14. Review status: criteria provided, single submitter. Criteria: Invitae Variant Classification Sherloc (09022015). Collection method: clinical testing. Allele origin: germline.
Comment: This sequence change replaces threonine, which is neutral and polar, with alanine, which is neutral and non-polar, at codon 438 of the TGM6 protein (p.Thr438Ala). This variant is present in population databases (rs369633361, gnomAD 0.03%). This variant has not been reported in the literature in individuals affected with TGM6-related conditions. ClinVar contains an entry for this variant (Variation ID: 2416568). Advanced modeling of protein sequence and biophysical properties (such as structural, functional, and spatial information, amino acid conservation, physicochemical variation, residue mobility, and thermodynamic stability) performed at Invitae indicates that this missense variant is expected to disrupt TGM6 protein function with a positive predictive value of 80%. In summary, the available evidence is currently insufficient to determine the role of this variant in disease. Therefore, it has been classified as a Variant of Uncertain Significance.

Literature cited by the submitters: PubMed 33432171 (cited by Athena Diagnostics).

NM_198994.3(TGM6):c.1312A>G (p.Thr438Ala)

Gene: TGM6 (transglutaminase 6; plus strand). Cytogenetic location: 20p13.
Variant type: single nucleotide variant.
Coding change: c.1312A>G on transcript NM_198994.3 (MANE Select); coding-DNA position 1312, A replaced by G.
Protein change: p.Thr438Ala; replaces threonine 438 with alanine.
Molecular consequence: missense variant.
Genome position (GRCh38, 1-based): chr20:2,403,799, A>G. VCF-style: chr20-2403799-A-G. GRCh37 (hg19) VCF-style: chr20-2384445-A-G.
Other names: c.1312A>G, p.Thr438Ala (NM_001254734.2); c.1312A>G (NM_198994.2); short protein forms T438A.
Identifiers: ClinVar variation 2416568 (VCV002416568.8), dbSNP rs369633361, ClinGen allele CA9732040.
Genomic context (GRCh38, chr20:2,403,799, plus strand): 5'-AAGAAGATTGGGAGATGCATCAGCACCAAGGCGGTGGGCAGTGACTCCCGCGTGGACATC[A>G]CTGACCTCTACAAGTATCCGGAAGGTAAGGGCCACATGGCGGCCTTTATTACCTTCCCCC-3'
Protein context (NP_945345.2, residues 428-448): AVGSDSRVDI[Thr438Ala]DLYKYPEGSR